The following is an entry in ClinVar:

NM_177438.3(DICER1):c.1732dup (p.Thr578fs)

Gene: DICER1 (dicer 1, ribonuclease III; minus strand). Cytogenetic location: 14q32.13.
Variant type: Duplication.
Coding change: c.1732dup on transcript NM_177438.3 (MANE Select); coding-DNA position 1732, one base duplicated (A; older notation c.1732dupA).
Protein change: p.Thr578fs; shifts the reading frame from threonine 578.
Molecular consequence: frameshift variant.
Genome position (GRCh38, 1-based): chr14:95,116,473, T duplicated on the plus strand (A on the coding strand, the reverse complement: DICER1 is on the minus strand); the first of 4 consecutive T bases (chr14:95,116,473-95,116,476); duplicating any one gives the same sequence. VCF-style (leftmost placement, unchanged base first): chr14-95116472-G-GT. GRCh37 (hg19) VCF-style: chr14-95582809-G-GT.
Other names: c.1732dup, p.Thr578fs (NM_001195573.1, NM_001271282.3, NM_001291628.2 and 1 more transcripts); c.1732dupA (NM_177438.2); short protein forms T578fs.
Identifiers: ClinVar variation 429117 (VCV000429117.3), dbSNP rs1131691193, ClinGen allele CA645369623.

ClinVar aggregate classification (germline): Pathogenic (1 of 4 stars; one submission).

Conditions:
Hereditary cancer-predisposing syndrome. Also called: Hereditary Cancer Syndrome; Neoplastic Syndromes, Hereditary; Hereditary neoplastic syndrome; Tumor predisposition. Identifiers: Orphanet 140162, MedGen C0027672, MeSH D009386, MONDO:0015356.

Submission:

Ambry Genetics
Classification: Pathogenic for Hereditary cancer-predisposing syndrome. Last evaluated: 2012-04-06. Review status: criteria provided, single submitter. Criteria: Ambry Autosomal Dominant and X-Linked criteria (10/2015). Collection method: clinical testing. Allele origin: germline. Observed: 1 variant allele.
Comment: This alteration is expected to result in loss of function by premature protein truncation or nonsense-mediatedâ€¯mRNAâ€¯decay.â€¯As such, this alteration is interpreted as a disease-causing mutation.